The following is an entry in ClinVar:

NM_024675.4(PALB2):c.2480del (p.Thr827fs)

Gene: PALB2 (partner and localizer of BRCA2; minus strand). Cytogenetic location: 16p12.2.
Variant type: Deletion.
Coding change: c.2480del on transcript NM_024675.4 (MANE Select); coding-DNA position 2480, one base deleted (C; older notation c.2480delC).
Protein change: p.Thr827fs; shifts the reading frame from threonine 827.
Molecular consequence: frameshift variant.
Genome position (GRCh38, 1-based): chr16:23,629,674, G deleted on the plus strand (C on the coding strand, the reverse complement: PALB2 is on the minus strand). VCF-style (leftmost placement, unchanged base first): chr16-23629673-TG-T. GRCh37 (hg19) VCF-style: chr16-23640994-TG-T.
Other names: c.2420delC, p.Thr807Asnfs (NM_001407296.1); c.2480delC, p.Thr827Asnfs (NM_001407297.1, NM_001407298.1, NM_001407299.1 and 3 more transcripts); c.1595delC, p.Thr532Asnfs (NM_001407304.1, NM_001407305.1, NM_001407306.1 and 5 more transcripts); c.692delC, p.Thr231Asnfs (NM_001407312.1, NM_001407313.1); short protein forms T827fs.
Identifiers: ClinVar variation 1998542 (VCV001998542.4), dbSNP rs2506403585, ClinGen allele CA2580091316.

ClinVar aggregate classification (germline): Pathogenic (1 of 4 stars; one submission).

Conditions:
Familial cancer of breast. Also called: hereditary breast carcinoma; Hereditary breast cancer; BREAST CANCER, FAMILIAL. Identifiers: Orphanet 227535, MedGen C0346153, MONDO:0016419, OMIM 114480. Disease mechanism: loss of function.

Submission:

Labcorp Genetics (formerly Invitae), Labcorp
Classification: Pathogenic for Familial cancer of breast. Last evaluated: 2022-05-25. Review status: criteria provided, single submitter. Criteria: Invitae Variant Classification Sherloc (09022015). Collection method: clinical testing. Allele origin: germline.
Comment: This sequence change creates a premature translational stop signal (p.Thr827Asnfs*24) in the PALB2 gene. It is expected to result in an absent or disrupted protein product. Loss-of-function variants in PALB2 are known to be pathogenic (PMID: 17200668, 17200671, 17200672, 24136930, 25099575). For these reasons, this variant has been classified as Pathogenic. This variant has not been reported in the literature in individuals affected with PALB2-related conditions. This variant is not present in population databases (gnomAD no frequency).

Literature cited by the submitters: PubMed 17200668; PubMed 17200671; PubMed 17200672; PubMed 24136930; PubMed 25099575.